The following is an entry in ClinVar:

ClinVar aggregate classification (germline): Benign/Likely benign. Review status: criteria provided, multiple submitters, no conflicts (2 of 4 stars). 14 submissions from 14 submitters: Benign (9); Likely benign (1). 4 of the submissions do not count toward it. Last evaluated 2026-02-04.

Conditions:
Nemaline myopathy 2 (NEM2). Also called: Nemaline myopathy 2, autosomal recessive. Identifiers: MedGen C1850569, MONDO:0009725, OMIM 256030.

Allele frequency attached by ClinVar (database versions not stated): gnomAD exomes 0.01803 and 0.01863; gnomAD 0.02350 and 0.02379; TOPMed 0.02364; ExAC 0.02417; ESP Exome Variant Server 0.02508; 1000 Genomes Project 0.02536; 1000 Genomes Project 30x 0.02577.
gnomAD v4.1: 30,145 of 1,605,928 alleles (1.9%); highest among the groups gnomAD compares: African/African-American, 4.1%; 372 homozygotes.

Submissions (14):

Labcorp Genetics (formerly Invitae), Labcorp
Classification: Benign for Nemaline myopathy 2. Last evaluated: 2026-02-04. Review status: criteria provided, single submitter. Criteria: Invitae Variant Classification Sherloc (09022015). Collection method: clinical testing. Allele origin: germline.

Blueprint Genetics
Classification: Likely benign. Last evaluated: 2024-11-26. Review status: criteria provided, single submitter. Criteria: ACMG Guidelines, 2015. Collection method: clinical testing. Allele origin: germline.

Athena Diagnostics
Classification: Benign. Last evaluated: 2024-10-16. Review status: criteria provided, single submitter. Criteria: Athena Diagnostics Criteria. Collection method: clinical testing. Allele origin: unknown.

Women's Health and Genetics/Laboratory Corporation of America, LabCorp
Classification: Benign. Last evaluated: 2019-04-01. Review status: criteria provided, single submitter. Criteria: LabCorp Variant Classification Summary - May 2015. Collection method: clinical testing. Allele origin: germline.
Comment: Variant summary: NEB c.612+8T>C alters a non-conserved nucleotide located close to a canonical splice site and therefore could affect mRNA splicing, leading to a significantly altered protein sequence. 5/5 computational tools predict no significant impact on normal splicing. However, these predictions have yet to be confirmed by functional studies. The variant allele was found at a frequency of 0.019 in 272532 control chromosomes in the gnomAD database, including 70 homozygotes. The observed variant frequency is approximately 5 fold of the estimated maximal expected allele frequency for a pathogenic variant in NEB causing Nemaline Myopathy 2 phenotype (0.0035), strongly suggesting that the variant is benign. To our knowledge, no occurrence of c.612+8T>C in individuals affected with Nemaline Myopathy 2 and no experimental evidence demonstrating its impact on protein function have been reported. Five clinical diagnostic laboratories have submitted clinical-significance assessments for this variant to ClinVar after 2014 without evidence for independent evaluation. All laboratories classified the variant as benign/likely benign. Based on the evidence outlined above, the variant was classified as benign.

Illumina Laboratory Services, Illumina
Classification: Benign for Nemaline myopathy 2. Last evaluated: 2018-01-13. Review status: criteria provided, single submitter. Criteria: ICSL Variant Classification Criteria 13 December 2019. Collection method: clinical testing. Allele origin: germline.
Comment: This variant was observed in the ICSL laboratory as part of a predisposition screen in an ostensibly healthy population. It had not been previously curated by ICSL or reported in the Human Gene Mutation Database (HGMD: prior to June 1st, 2018), and was therefore a candidate for classification through an automated scoring system. Utilizing variant allele frequency, disease prevalence and penetrance estimates, and inheritance mode, an automated score was calculated to assess if this variant is too frequent to cause the disease. Based on the score and internal cut-off values, a variant classified as benign is not then subjected to further curation. The score for this variant resulted in a classification of benign for this disease.

Mayo Clinic Laboratories, Mayo Clinic
Classification: Benign. Last evaluated: 2017-12-01. Review status: criteria provided, single submitter. Criteria: ACMG Guidelines, 2015. Collection method: clinical testing. Allele origin: germline. Observed: 34 variant alleles.

GeneDx
Classification: Benign. Last evaluated: 2016-03-12. Review status: criteria provided, single submitter. Criteria: GeneDx Variant Classification (06012015). Collection method: clinical testing. Allele origin: germline. Affected: yes.
Comment: This variant is considered likely benign or benign based on one or more of the following criteria: it is a conservative change, it occurs at a poorly conserved position in the protein, it is predicted to be benign by multiple in silico algorithms, and/or has population frequency not consistent with disease.

Laboratory for Molecular Medicine, Mass General Brigham Personalized Medicine
Classification: Benign. Last evaluated: 2015-01-13. Review status: criteria provided, single submitter. Criteria: LMM Criteria. Collection method: clinical testing. Allele origin: germline. Observed: 2 variant alleles.
Comment: c.612+8T>C in intron 8 of NEB: This variant is not expected to have clinical sig nificance because it is not located within the conserved splice consensus sequen ce. It has been identified in 3.7% (148/3974) of African American chromosomes fr om a broad population by the NHLBI Exome Sequencing Project (dbSNP rs113095802).

Breakthrough Genomics
Classification: Benign. Review status: criteria provided, single submitter. Criteria: ACMG Guidelines, 2015. Collection method: not provided. Allele origin: germline. Inheritance: Autosomal recessive inheritance. Affected: yes.

PreventionGenetics, part of Exact Sciences
Classification: Benign. Review status: criteria provided, single submitter. Criteria: ACMG Guidelines, 2015. Collection method: clinical testing. Allele origin: germline.

Natera, Inc.
Classification: Benign for Nemaline myopathy type 2. Last evaluated: 2020-09-16. Review status: no assertion criteria provided. Collection method: clinical testing. Allele origin: germline. Not counted in ClinVar's aggregate classification.

Genetic Services Laboratory, University of Chicago
Classification: Likely benign for AllHighlyPenetrant. Review status: no assertion criteria provided. Collection method: clinical testing. Allele origin: germline. Inheritance: Autosomal recessive inheritance. Not counted in ClinVar's aggregate classification.
Comment: Likely benign based on allele frequency in 1000 Genomes Project or ESP global frequency and its presence in a patient with a rare or unrelated disease phenotype. NOT Sanger confirmed.

Genome Diagnostics Laboratory, University Medical Center Utrecht
Classification: Benign. Review status: no assertion criteria provided. Collection method: clinical testing. Allele origin: germline. Affected: yes. Study: VKGL Data-share Consensus. Not counted in ClinVar's aggregate classification.

Laboratory of Diagnostic Genome Analysis, Leiden University Medical Center (LUMC)
Classification: Likely benign. Review status: no assertion criteria provided. Collection method: clinical testing. Allele origin: germline. Affected: yes. Study: VKGL Data-share Consensus. Not counted in ClinVar's aggregate classification.

NM_001164508.2(NEB):c.612+8T>C

Gene: NEB (nebulin; minus strand). Cytogenetic location: 2q23.3.
Variant type: single nucleotide variant.
Coding change: c.612+8T>C on transcript NM_001164508.2 (MANE Select); 8 bases into the intron after coding-DNA position 612, T replaced by C.
Molecular consequence: intron variant.
Genome position (GRCh38, 1-based): chr2:151,724,252, A>G on the plus strand (T>C on the coding strand, the complement: NEB is on the minus strand). VCF-style: chr2-151724252-A-G. GRCh37 (hg19) VCF-style: chr2-152580766-A-G.
Other names: p.?; c.612+8T>C (NM_004543.5, NM_001164507.2, NM_001271208.2).
Identifiers: ClinVar variation 129753 (VCV000129753.33), dbSNP rs113095802, ClinGen allele CA154021.